The following is an entry in ClinVar:

ClinVar aggregate classification (germline): Uncertain significance. Review status: criteria provided, single submitter (1 of 4 stars). 2 submissions from 2 submitters: Uncertain significance (1). 1 of the submissions does not count toward it. Last evaluated 2025-10-19.

Conditions:
DCTN1-related disorder. Also called: DCTN1-related condition.
Amyotrophic lateral sclerosis type 1 (ALS1). Also called: AMYOTROPHIC LATERAL SCLEROSIS 1, FAMILIAL. Identifiers: Orphanet 803, MedGen C1862939, MONDO:0007103, OMIM 105400.
Neuronopathy, distal hereditary motor, type 7B. Also called: Distal Hereditary Motor Neuronopathy Type 7B (dHMN7B); HMN VIIB; NEURONOPATHY, DISTAL HEREDITARY MOTOR, AUTOSOMAL DOMINANT 14; NEURONOPATHY, DISTAL HEREDITARY MOTOR, HARDING TYPE VIIB; NEUROPATHY, DISTAL HEREDITARY MOTOR, HARDING TYPE VIIB; NEUROPATHY, DISTAL HEREDITARY MOTOR, WITH VOCAL CORD PARALYSIS, HARDING TYPE VIIB. Identifiers: Orphanet 139589, MedGen C1843315, MONDO:0011879, OMIM 607641.
Perry syndrome. Also called: PARKINSONISM WITH ALVEOLAR HYPOVENTILATION AND MENTAL DEPRESSION. Identifiers: Orphanet 178509, MedGen C1868594, MONDO:0008201, OMIM 168605.

Allele frequency attached by ClinVar (database versions not stated): gnomAD exomes below 0.00001; TOPMed below 0.00001; ExAC 0.00001; gnomAD 0.00001; 1000 Genomes Project 30x 0.00016; 1000 Genomes Project 0.00020.
gnomAD v4.1: 4 of 1,614,216 alleles (0.00025%); highest among the groups gnomAD compares: East Asian, 0.0067%; no homozygotes.

Submissions (2):

Labcorp Genetics (formerly Invitae), Labcorp
Classification: Uncertain significance for Amyotrophic lateral sclerosis type 1; Neuronopathy, distal hereditary motor, type 7B; Perry syndrome. Last evaluated: 2025-10-19. Review status: criteria provided, single submitter. Criteria: Invitae Variant Classification Sherloc (09022015). Collection method: clinical testing. Allele origin: germline.
Comment: This sequence change replaces alanine, which is neutral and non-polar, with valine, which is neutral and non-polar, at codon 904 of the DCTN1 protein (p.Ala904Val). This variant is present in population databases (rs575593539, gnomAD 0.01%). This variant has not been reported in the literature in individuals affected with DCTN1-related conditions. ClinVar contains an entry for this variant (Variation ID: 2952906). Invitae Evidence Modeling of protein sequence and biophysical properties (such as structural, functional, and spatial information, amino acid conservation, physicochemical variation, residue mobility, and thermodynamic stability) indicates that this missense variant is not expected to disrupt DCTN1 protein function with a negative predictive value of 95%. In summary, the available evidence is currently insufficient to determine the role of this variant in disease. Therefore, it has been classified as a Variant of Uncertain Significance.

PreventionGenetics, part of Exact Sciences
Classification: Uncertain significance for DCTN1-related condition. Last evaluated: 2024-05-16. Review status: no assertion criteria provided. Collection method: clinical testing. Allele origin: germline. Not counted in ClinVar's aggregate classification.
Comment: The DCTN1 c.2711C>T variant is predicted to result in the amino acid substitution p.Ala904Val. To our knowledge, this variant has not been reported in the literature. This variant is reported in 0.011% of alleles in individuals of East Asian descent in gnomAD. At this time, the clinical significance of this variant is uncertain due to the absence of conclusive functional and genetic evidence.

NM_004082.5(DCTN1):c.2711C>T (p.Ala904Val)

Gene: DCTN1 (dynactin subunit 1; minus strand). Cytogenetic location: 2p13.1.
Variant type: single nucleotide variant.
Coding change: c.2711C>T on transcript NM_004082.5 (MANE Select); coding-DNA position 2711, C replaced by T.
Protein change: p.Ala904Val; replaces alanine 904 with valine.
Molecular consequence: missense variant. On other transcripts: non-coding transcript variant (1).
Genome position (GRCh38, 1-based): chr2:74,366,293, G>A on the plus strand (C>T on the coding strand, the complement: DCTN1 is on the minus strand). VCF-style: chr2-74366293-G-A. GRCh37 (hg19) VCF-style: chr2-74593420-G-A.
Other names: c.2651C>T, p.Ala884Val (NM_001135040.3); c.2309C>T, p.Ala770Val (NM_001135041.3, NM_023019.4); c.2600C>T, p.Ala867Val (NM_001190836.2); c.2690C>T, p.Ala897Val (NM_001190837.2); c.2660C>T, p.Ala887Val (NM_001378991.1); c.2642C>T, p.Ala881Val (NM_001378992.1); short protein forms A904V, A770V, A881V, A887V, A884V, A867V, A897V.
Identifiers: ClinVar variation 2952906 (VCV002952906.4), dbSNP rs575593539, ClinGen allele CA1721759.